The following is an entry in ClinVar:

NM_032043.3(BRIP1):c.2324A>G (p.Asn775Ser)

Gene: BRIP1 (BRCA1 interacting DNA helicase 1; minus strand). Cytogenetic location: 17q23.2.
Variant type: single nucleotide variant.
Coding change: c.2324A>G on transcript NM_032043.3 (MANE Select); coding-DNA position 2324, A replaced by G.
Protein change: p.Asn775Ser; replaces asparagine 775 with serine.
Molecular consequence: missense variant.
Genome position (GRCh38, 1-based): chr17:61,743,068, T>C on the plus strand (A>G on the coding strand, the complement: BRIP1 is on the minus strand). VCF-style: chr17-61743068-T-C. GRCh37 (hg19) VCF-style: chr17-59820429-T-C.
Other names: short protein forms N775S.
Identifiers: ClinVar variation 133753 (VCV000133753.42), dbSNP rs571108955, ClinGen allele CA157695.

ClinVar aggregate classification (germline): Conflicting classifications of pathogenicity. Review status: criteria provided, conflicting classifications (1 of 4 stars). 20 submissions from 20 submitters: Uncertain significance (9); Likely benign (5). 6 of the submissions do not count toward it. Last evaluated 2026-02-03.

Conditions:
Familial ovarian cancer. Identifiers: MedGen C5679802, MONDO:0016248.
Fanconi anemia complementation group J. Also called: BRIP1-Related Fanconi Anemia. Identifiers: Orphanet 84, MedGen C1836860, MONDO:0012187, OMIM 609054.
Ovarian cancer. Also called: OVARIAN CANCER, SOMATIC. Identifiers: Orphanet 213500, MedGen C1140680, MONDO:0008170, OMIM 167000.
Breast and/or ovarian cancer. Identifiers: MedGen CN221562.
Hereditary cancer-predisposing syndrome. Also called: Tumor predisposition; Hereditary neoplastic syndrome; Neoplastic Syndromes, Hereditary; Hereditary Cancer Syndrome. Identifiers: Orphanet 140162, MedGen C0027672, MeSH D009386, MONDO:0015356.
Familial cancer of breast. Also called: hereditary breast carcinoma; Hereditary breast cancer; BREAST CANCER, FAMILIAL. Identifiers: Orphanet 227535, MedGen C0346153, MONDO:0016419, OMIM 114480. Disease mechanism: loss of function.
Hereditary breast ovarian cancer syndrome. Also called: Hereditary breast and ovarian cancer; BRCA1- and BRCA2-Associated Hereditary Breast and Ovarian Cancer; Hereditary breast and/or ovarian cancer syndrome; Hereditary breast and ovarian cancer syndrome; Hereditary breast and ovarian cancer syndrome (HBOC); Breast and ovarian cancer. Identifiers: Orphanet 145, MedGen C0677776, MeSH D061325, MONDO:0003582. Disease mechanism: loss of function.

Allele frequency attached by ClinVar (database versions not stated): gnomAD 0.00003 and 0.00005; TOPMed 0.00010; ExAC 0.00012; gnomAD exomes 0.00013; 1000 Genomes Project 30x 0.00031; 1000 Genomes Project 0.00040.
gnomAD v4.1: 66 of 1,613,930 alleles (0.0041%); highest among the groups gnomAD compares: East Asian, 0.14%; no homozygotes.

Submissions 1 to 16 of 20:

Labcorp Genetics (formerly Invitae), Labcorp
Classification: Uncertain significance for Familial cancer of breast; Fanconi anemia complementation group J. Last evaluated: 2026-02-03. Review status: criteria provided, single submitter. Criteria: Invitae Variant Classification Sherloc (09022015). Collection method: clinical testing. Allele origin: germline.
Comment: This sequence change replaces asparagine, which is neutral and polar, with serine, which is neutral and polar, at codon 775 of the BRIP1 protein (p.Asn775Ser). This variant is present in population databases (rs571108955, gnomAD 0.2%). This missense change has been observed in individual(s) with breast cancer, ovarian cancer, sarcoma, stomach cancer, prostate cancer, and neuroblastoma (PMID: 26580448, 26689913, 26824983, 27498913, 30093976, 30982232, 31214711). ClinVar contains an entry for this variant (Variation ID: 133753). Invitae Evidence Modeling of protein sequence and biophysical properties (such as structural, functional, and spatial information, amino acid conservation, physicochemical variation, residue mobility, and thermodynamic stability) has been performed for this missense variant. However, the output from this modeling did not meet the statistical confidence thresholds required to predict the impact of this variant on BRIP1 protein function. In summary, the available evidence is currently insufficient to determine the role of this variant in disease. Therefore, it has been classified as a Variant of Uncertain Significance.

Dasa
Classification: Uncertain significance. Last evaluated: 2025-05-29. Review status: criteria provided, single submitter. Criteria: DASA Assertion Criteria. Collection method: clinical testing. Allele origin: germline.
Comment: NM_032043.3(BRIP1):c.2324A>G (p.Asn775Ser) is a missense variant that results in the substitution of asparagine with serine. This variant is rare in population databases. The currently available literature and clinical evidence are not sufficient to establish a definitive association between this variant and the reported condition. Therefore, this variant is classified as a variant of uncertain significance.

Quest Diagnostics Nichols Institute San Juan Capistrano
Classification: Likely benign. Last evaluated: 2025-04-30. Review status: criteria provided, single submitter. Criteria: Quest Diagnostics criteria. Collection method: clinical testing. Allele origin: unknown.

Women's Health and Genetics/Laboratory Corporation of America, LabCorp
Classification: Uncertain significance. Last evaluated: 2025-03-31. Review status: criteria provided, single submitter. Criteria: LabCorp Variant Classification Summary - May 2015. Collection method: clinical testing. Allele origin: germline.
Comment: Variant summary: BRIP1 c.2324A>G (p.Asn775Ser) results in a conservative amino acid change located in the ATP-dependent helicase, C-terminal domain of the encoded protein sequence. Three of five in-silico tools predict a benign effect of the variant on protein function. The variant allele was found at a frequency of 0.00013 in 251318 control chromosomes, predominantly at a frequency of 0.0017 within the East Asian subpopulation in the gnomAD database. Although the observed variant frequency within East Asian control individuals in the gnomAD database is approximately 27 fold of the estimated maximal expected allele frequency for a pathogenic variant in BRIP1 causing Breast Cancer phenotype (6.3e-05), this frequency is not significantly higher than estimated for a pathogenic variant in BRIP1 causing Autosomal Recessive Fanconi Anemia Complementation Group J (0.00013 vs 0.0004), allowing no conclusion about variant significance. c.2324A>G has been reported in the literature in individuals affected with breast, ovarian, stomach, and prostate cancers and neuroblastoma without strong evidence of causality (Chan_2018, Lin_2016, Lu_2015, Momozawa_2019, Wang_2019, Zhang_2015, Song_2024). These report(s) do not provide unequivocal conclusions about association of the variant with Breast Cancer or Fanconi Anemia Complementation Group J. To our knowledge, no experimental evidence demonstrating an impact on protein function has been reported. The following publications have been ascertained in the context of this evaluation (PMID: 26689913, 26824983, 26580448, 30093976, 30982232, 31214711, 29929473, 38298632). ClinVar contains an entry for this variant (Variation ID: 133753). Based on the evidence outlined above, the variant was classified as uncertain significance.

GeneDx
Classification: Uncertain significance. Last evaluated: 2024-07-19. Review status: criteria provided, single submitter. Criteria: GeneDx Variant Classification Process June 2021. Collection method: clinical testing. Allele origin: germline. Affected: yes.
Comment: In silico analysis supports that this missense variant has a deleterious effect on protein structure/function; Observed in individuals with breast, ovarian, or other cancers, as well as both cases and unaffected controls in several cancer studies (PMID: 26689913, 27498913, 26824983, 30093976, 31666926, 30982232, 31214711, 36243179); This variant is associated with the following publications: (PMID: 30093976, 26689913, 26824983, 24728327, 25783483, 26580448, 27498913, 32566746, 31666926, 30982232, 11301010, 35171259, 29929473, 36243179, 31214711)

Molecular Pathology, Peter Maccallum Cancer Centre
Classification: Likely benign for Familial ovarian cancer. Last evaluated: 2024-06-27. Review status: criteria provided, single submitter. Criteria: ACMG Guidelines, 2015. Collection method: clinical testing. Allele origin: germline. Inheritance: Autosomal dominant inheritance.

St. Jude Molecular Pathology, St. Jude Children's Research Hospital
Classification: Uncertain significance for Fanconi anemia complementation group J. Last evaluated: 2024-04-22. Review status: criteria provided, single submitter. Criteria: St. Jude Assertion Criteria 2020. Collection method: clinical testing. Allele origin: germline.

Baylor Genetics
Classification: Uncertain significance for Familial cancer of breast. Last evaluated: 2023-11-15. Review status: criteria provided, single submitter. Criteria: ACMG Guidelines, 2015. Collection method: clinical testing. Allele origin: unknown.

CHEO Genetics Diagnostic Laboratory, Children's Hospital of Eastern Ontario
Classification: Uncertain significance for Breast and/or ovarian cancer. Last evaluated: 2023-05-25. Review status: criteria provided, single submitter. Criteria: ACMG Guidelines, 2015. Collection method: clinical testing. Allele origin: germline.

Myriad Genetics, Inc.
Classification: Likely benign for Familial cancer of breast. Last evaluated: 2023-03-02. Review status: criteria provided, single submitter. Criteria: Myriad Autosomal Dominant, Autosomal Recessive and X-Linked Classification Criteria (2023). Collection method: clinical testing. Allele origin: unknown.
Comment: This variant is considered likely benign. Homozygosity for this variant has been confirmed in one or more individuals lacking clinical features consistent with gene-specific recessive disease, indicating that this variant is unlikely to be pathogenic.

Ambry Genetics
Classification: Likely benign for Hereditary cancer-predisposing syndrome. Last evaluated: 2022-09-29. Review status: criteria provided, single submitter. Criteria: Ambry Variant Classification Scheme 2023. Collection method: clinical testing. Allele origin: germline.

Color Diagnostics, LLC DBA Color Health
Classification: Likely benign for Hereditary cancer-predisposing syndrome. Last evaluated: 2019-11-25. Review status: criteria provided, single submitter. Criteria: ACMG Guidelines, 2015. Collection method: clinical testing. Allele origin: germline.

Cancer Genomics Group, Japanese Foundation For Cancer Research
Classification: Uncertain significance for Hereditary breast and ovarian cancer syndrome. Last evaluated: 2019-05-01. Review status: criteria provided, single submitter. Criteria: ACMG Guidelines, 2015. Collection method: research. Allele origin: germline. Affected: yes.

Genetic Services Laboratory, University of Chicago
Classification: Uncertain significance. Last evaluated: 2018-03-26. Review status: criteria provided, single submitter. Criteria: ACMG Guidelines, 2015. Collection method: clinical testing. Allele origin: germline. Affected: no.

Leiden Open Variation Database
Classification: Benign. Last evaluated: 2019-08-13. Review status: no assertion criteria provided. Collection method: curation. Allele origin: germline. Affected: yes. Not counted in ClinVar's aggregate classification.
Comment: Curator: Arleen D. Auerbach. Submitter to LOVD: Yukihide Momozawa.

Counsyl
Classification: Uncertain significance for Fanconi anemia complementation group J; Ovarian cancer. Last evaluated: 2018-02-27. Review status: no assertion criteria provided. Collection method: clinical testing. Allele origin: unknown. Not counted in ClinVar's aggregate classification.